The following is an entry in ClinVar:

NM_001378778.1(MPDZ):c.2978A>T (p.Glu993Val)

Gene: MPDZ (multiple PDZ domain crumbs cell polarity complex component; minus strand). Cytogenetic location: 9p23.
Variant type: single nucleotide variant.
Coding change: c.2978A>T on transcript NM_001378778.1 (MANE Select); coding-DNA position 2978, A replaced by T.
Protein change: p.Glu993Val; replaces glutamic acid 993 with valine.
Molecular consequence: missense variant.
Genome position (GRCh38, 1-based): chr9:13,175,829, T>A on the plus strand (A>T on the coding strand, the complement: MPDZ is on the minus strand). VCF-style: chr9-13175829-T-A. GRCh37 (hg19) VCF-style: chr9-13175828-T-A.
Other names: c.2978A>T, p.Glu993Val (NM_001261406.2, NM_001261407.2, NM_001330637.2 and 14 more transcripts); c.2978A>T (NM_003829.3); short protein forms E993V.
Identifiers: ClinVar variation 1481409 (VCV001481409.7), dbSNP rs367967232, ClinGen allele CA4987306.

ClinVar aggregate classification (germline): Uncertain significance. Review status: criteria provided, multiple submitters, no conflicts (2 of 4 stars). 2 submissions from 2 submitters: Uncertain significance (2). Last evaluated 2023-04-05.

Conditions:
Inborn genetic diseases. Identifiers: MedGen C0950123, MeSH D030342.

Allele frequency attached by ClinVar (database versions not stated): 1000 Genomes Project 0.00020; gnomAD exomes below 0.00001; ExAC 0.00002; gnomAD 0.00001; ESP Exome Variant Server 0.00008; 1000 Genomes Project 30x 0.00016; TOPMed 0.00001.
gnomAD v4.1: 4 of 1,591,694 alleles (0.00025%); highest among the groups gnomAD compares: African/African-American, 0.004%; no homozygotes.

Submissions (2):

Ambry Genetics
Classification: Uncertain significance for Inborn genetic diseases. Last evaluated: 2023-04-05. Review status: criteria provided, single submitter. Criteria: Ambry Variant Classification Scheme 2023. Collection method: clinical testing. Allele origin: germline.

Labcorp Genetics (formerly Invitae), Labcorp
Classification: Uncertain significance. Last evaluated: 2021-03-13. Review status: criteria provided, single submitter. Criteria: Invitae Variant Classification Sherloc (09022015). Collection method: clinical testing. Allele origin: germline.
Comment: In summary, the available evidence is currently insufficient to determine the role of this variant in disease. Therefore, it has been classified as a Variant of Uncertain Significance. Algorithms developed to predict the effect of sequence changes on RNA splicing suggest that this variant may create or strengthen a splice site, but this prediction has not been confirmed by published transcriptional studies. Algorithms developed to predict the effect of missense changes on protein structure and function are either unavailable or do not agree on the potential impact of this missense change (SIFT: "Deleterious"; PolyPhen-2: "Benign"; Align-GVGD: "Class C65"). This variant has not been reported in the literature in individuals with MPDZ-related conditions. This variant is present in population databases (rs367967232, ExAC 0.02%). This sequence change replaces glutamic acid with valine at codon 993 of the MPDZ protein (p.Glu993Val). The glutamic acid residue is highly conserved and there is a moderate physicochemical difference between glutamic acid and valine.